The following is an entry in ClinVar:

ClinVar aggregate classification (germline): Uncertain significance. Review status: criteria provided, multiple submitters, no conflicts (2 of 4 stars). 2 submissions from 2 submitters: Uncertain significance (2). Last evaluated 2025-04-17.

Conditions:
STAT3 gain of function. Identifiers: MedGen C4288261.
Hyper-IgE recurrent infection syndrome 1, autosomal dominant. Also called: JOB SYNDROME; Job's Syndrome; STAT3 Hyper IgE Syndrome; Hyper-IgE recurrent infection syndrome 1; HYPER-IgE SYNDROME 1, AUTOSOMAL DOMINANT, WITH RECURRENT INFECTIONS. Identifiers: Orphanet 2314, MedGen C2936739, MONDO:0007818, OMIM 147060.

Allele frequency attached by ClinVar (database versions not stated): gnomAD exomes below 0.00001; TOPMed below 0.00001.
gnomAD v4.1: 5 of 1,613,356 alleles (0.00031%); highest among the groups gnomAD compares: Non-Finnish European, 0.00042%; no homozygotes.

Submissions (2):

Labcorp Genetics (formerly Invitae), Labcorp
Classification: Uncertain significance for STAT3 gain of function; Hyper-IgE recurrent infection syndrome 1, autosomal dominant. Last evaluated: 2025-04-17. Review status: criteria provided, single submitter. Criteria: Invitae Variant Classification Sherloc (09022015). Collection method: clinical testing. Allele origin: germline.
Comment: This sequence change replaces lysine, which is basic and polar, with arginine, which is basic and polar, at codon 370 of the STAT3 protein (p.Lys370Arg). This variant is not present in population databases (gnomAD no frequency). This variant has not been reported in the literature in individuals affected with STAT3-related conditions. ClinVar contains an entry for this variant (Variation ID: 3026379). An algorithm developed to predict the effect of missense changes on protein structure and function (PolyPhen-2) suggests that this variant is likely to be disruptive. Experimental studies are conflicting or provide insufficient evidence to determine the effect of this variant on STAT3 function (PMID: 28637784). In summary, the available evidence is currently insufficient to determine the role of this variant in disease. Therefore, it has been classified as a Variant of Uncertain Significance.

CeGaT Center for Human Genetics Tuebingen
Classification: Uncertain significance. Last evaluated: 2024-02-01. Review status: criteria provided, single submitter. Criteria: CeGaT Center For Human Genetics Tuebingen Variant Classification Criteria Version 2. Collection method: clinical testing. Allele origin: germline. Affected: yes. Observed: 1 variant allele.
Comment: STAT3: PP2, PP3, PS3:Supporting

Literature cited by the submitters: PubMed 28637784 (cited by Labcorp Genetics (formerly Invitae), Labcorp).

NM_139276.3(STAT3):c.1109A>G (p.Lys370Arg)

Gene: STAT3 (signal transducer and activator of transcription 3; minus strand). Cytogenetic location: 17q21.2.
Variant type: single nucleotide variant.
Coding change: c.1109A>G on transcript NM_139276.3 (MANE Select); coding-DNA position 1109, A replaced by G.
Protein change: p.Lys370Arg; replaces lysine 370 with arginine.
Molecular consequence: missense variant. On other transcripts: intron variant (1).
Genome position (GRCh38, 1-based): chr17:42,331,472, T>C on the plus strand (A>G on the coding strand, the complement: STAT3 is on the minus strand). VCF-style: chr17-42331472-T-C. GRCh37 (hg19) VCF-style: chr17-40483490-T-C.
Other names: c.1109A>G, p.Lys370Arg (NM_001369512.1, NM_001369513.1, NM_001369514.1 and 12 more transcripts); c.1031A>G, p.Lys344Arg (NM_001384985.1); c.1109A>G, p.Asn370Ser (NM_001384986.1, NM_001384990.1); c.1013A>G, p.Lys338Arg (NM_001384989.1); c.1050-1696A>G (NM_001384992.1); short protein forms K338R, K344R, K370R, N370S.
Identifiers: ClinVar variation 3026379 (VCV003026379.23), dbSNP rs1567715988, ClinGen allele CA399589907.